The following is an entry in ClinVar:

NM_000222.3(KIT):c.10_11delinsTT (p.Ala4Phe)

Gene: KIT (KIT proto-oncogene, receptor tyrosine kinase; plus strand). Cytogenetic location: 4q12.
Variant type: Indel.
Coding change: c.10_11delinsTT on transcript NM_000222.3 (MANE Select); coding-DNA positions 10 to 11, GC replaced by TT.
Protein change: p.Ala4Phe; replaces alanine 4 with phenylalanine.
Molecular consequence: missense variant.
Genome position (GRCh38, 1-based): chr4:54,658,024-54,658,025, GC replaced by TT. VCF-style: chr4-54658024-GC-TT. GRCh37 (hg19) VCF-style: chr4-55524191-GC-TT.
Other names: c.10_11delinsTT, p.Ala4Phe (NM_001093772.2, NM_001385284.1, NM_001385285.1 and 4 more transcripts); c.10_11delGCinsTT (NM_000222.2); short protein forms A4F.
Identifiers: ClinVar variation 528568 (VCV000528568.12), dbSNP rs1553881759, ClinGen allele CA658796437.
Genomic context (GRCh38, chr4:54,658,024, plus strand): 5'-GGCGAGAGCTGGAACGTGGACCAGAGCTCGGATCCCATCGCAGCTACCGCGATGAGAGGC[GC>TT]TCGCGGCGCCTGGGATTTTCTCTGCGTTCTGCTCCTACTGCTTCGCGTCCAGACAGGTGG-3'
Protein context (NP_000213.1, residues 1-14): MRG[Ala4Phe]RGAWDFLCVL

ClinVar aggregate classification (germline): Uncertain significance. Review status: criteria provided, multiple submitters, no conflicts (2 of 4 stars). 3 submissions from 3 submitters: Uncertain significance (3). Last evaluated 2025-03-06.

Conditions:
Hereditary cancer-predisposing syndrome. Also called: Tumor predisposition; Hereditary neoplastic syndrome; Hereditary Cancer Syndrome; Neoplastic Syndromes, Hereditary. Identifiers: Orphanet 140162, MedGen C0027672, MeSH D009386, MONDO:0015356.
Gastrointestinal stromal tumor. Also called: Gastrointestinal stroma tumor; Gastrointestinal stromal tumor, somatic. Identifiers: Orphanet 44890, MedGen C0238198, MeSH D046152, MONDO:0011719, OMIM 606764, HP:0100723.

Submissions (3):

Labcorp Genetics (formerly Invitae), Labcorp
Classification: Uncertain significance for Gastrointestinal stromal tumor. Last evaluated: 2025-03-06. Review status: criteria provided, single submitter. Criteria: Invitae Variant Classification Sherloc (09022015). Collection method: clinical testing. Allele origin: germline.
Comment: This sequence change replaces alanine, which is neutral and non-polar, with phenylalanine, which is neutral and non-polar, at codon 4 of the KIT protein (p.Ala4Phe). This variant is present in population databases (no rsID available, gnomAD 0.003%). This variant has not been reported in the literature in individuals affected with KIT-related conditions. ClinVar contains an entry for this variant (Variation ID: 528568). An algorithm developed to predict the effect of missense changes on protein structure and function (PolyPhen-2) suggests that this variant is likely to be disruptive. In summary, the available evidence is currently insufficient to determine the role of this variant in disease. Therefore, it has been classified as a Variant of Uncertain Significance.

Ambry Genetics
Classification: Uncertain significance for Hereditary cancer-predisposing syndrome. Last evaluated: 2025-02-20. Review status: criteria provided, single submitter. Criteria: Ambry Variant Classification Scheme 2023. Collection method: clinical testing. Allele origin: germline.
Comment: The c.10_11delGCinsTT variant (also known as p.A4F), located in coding exon 1 of the KIT gene, results from an in-frame deletion of GC and insertion of TT at nucleotide positions 10 to 11. This results in the substitution of the alanine residue for a phenylalanine residue at codon 4, an amino acid with dissimilar properties. This amino acid position is highly conserved in available vertebrate species. Based on the available evidence, the clinical significance of this variant remains unclear.

Baylor Genetics
Classification: Uncertain significance for Gastrointestinal stromal tumor. Last evaluated: 2024-03-24. Review status: criteria provided, single submitter. Criteria: ACMG Guidelines, 2015. Collection method: clinical testing. Allele origin: unknown.